The following is an entry in ClinVar:

NM_033109.5(PNPT1):c.2298_2300del (p.Arg766del)

Gene: PNPT1 (polyribonucleotide nucleotidyltransferase 1; minus strand). Cytogenetic location: 2p16.1.
Variant type: Deletion.
Coding change: c.2298_2300del on transcript NM_033109.5 (MANE Select); coding-DNA positions 2298 to 2300, 3 bases deleted (AAG; older notation c.2298_2300delAAG).
Protein change: p.Arg766del; deletes arginine 766.
Molecular consequence: inframe deletion.
Genome position (GRCh38, 1-based): chr2:55,636,289-55,636,291, CTT deleted on the plus strand (AAG on the coding strand, the reverse complement: PNPT1 is on the minus strand); deleting any 3 consecutive bases within chr2:55,636,289-55,636,293 gives the same sequence; the c. name uses the placement nearest the transcript's 3' end. VCF-style (leftmost placement, unchanged base first): chr2-55636288-ACTT-A. GRCh37 (hg19) VCF-style: chr2-55863423-ACTT-A.
Other names: short protein forms R766del.
Identifiers: ClinVar variation 1809855 (VCV001809855.1), dbSNP rs749696929, ClinGen allele CA1667724.
Genomic context (GRCh38, chr2:55,636,288, plus strand): 5'-AAAAAAAAATCACTGAGAATTAGATGATGACTGTGAAATAGGTTCTCCCATTACAATACT[ACTT>A]CTGTCATTCAAAGTTCTGACCACGGTTGTAGCTGGCGACTGAAGCACTTTTCGAGAAAGC-3'

ClinVar aggregate classification (germline): Uncertain significance (1 of 4 stars; one submission).

Submission:

GeneDx
Classification: Uncertain significance. Last evaluated: 2022-06-28. Review status: criteria provided, single submitter. Criteria: GeneDx Variant Classification Process June 2021. Collection method: clinical testing. Allele origin: germline. Affected: yes.
Comment: Not observed at significant frequency in large population cohorts (gnomAD); In-frame deletion of 1 amino acids in a non-repeat region; In silico analysis supports that this variant does not alter protein structure/function; Has not been previously published as pathogenic or benign to our knowledge